The following is an entry in ClinVar:

ClinVar aggregate classification (germline): Uncertain significance (1 of 4 stars; one submission).

Allele frequency attached by ClinVar (database versions not stated): ExAC 0.00003.

Submission:

Labcorp Genetics (formerly Invitae), Labcorp
Classification: Uncertain significance. Last evaluated: 2024-12-03. Review status: criteria provided, single submitter. Criteria: Invitae Variant Classification Sherloc (09022015). Collection method: clinical testing. Allele origin: germline.
Comment: This sequence change replaces proline, which is neutral and non-polar, with serine, which is neutral and polar, at codon 21 of the CSF1R protein (p.Pro21Ser). This variant is present in population databases (rs757795589, gnomAD 0.008%). This variant has not been reported in the literature in individuals affected with CSF1R-related conditions. ClinVar contains an entry for this variant (Variation ID: 1412410). Invitae Evidence Modeling of protein sequence and biophysical properties (such as structural, functional, and spatial information, amino acid conservation, physicochemical variation, residue mobility, and thermodynamic stability) indicates that this missense variant is not expected to disrupt CSF1R protein function with a negative predictive value of 95%. In summary, the available evidence is currently insufficient to determine the role of this variant in disease. Therefore, it has been classified as a Variant of Uncertain Significance.

NM_001288705.3(CSF1R):c.61C>T (p.Pro21Ser)

Gene: CSF1R (colony stimulating factor 1 receptor; minus strand). Cytogenetic location: 5q32.
Variant type: single nucleotide variant.
Coding change: c.61C>T on transcript NM_001288705.3 (MANE Select); coding-DNA position 61, C replaced by T.
Protein change: p.Pro21Ser; replaces proline 21 with serine.
Molecular consequence: missense variant. On other transcripts: 5 prime UTR variant (1), non-coding transcript variant (2).
Genome position (GRCh38, 1-based): chr5:150,081,013, G>A on the plus strand (C>T on the coding strand, the complement: CSF1R is on the minus strand). VCF-style: chr5-150081013-G-A. GRCh37 (hg19) VCF-style: chr5-149460576-G-A.
Other names: c.61C>T, p.Pro21Ser (NM_001349736.2, NM_001375320.1, NM_005211.4); c.-384C>T (NM_001375321.1); short protein forms P21S.
Identifiers: ClinVar variation 1412410 (VCV001412410.6), dbSNP rs757795589, ClinGen allele CA3507291.